The following is an entry in ClinVar:

ClinVar aggregate classification (germline): Uncertain significance (1 of 4 stars; one submission).

Submission:

Ambry Genetics
Classification: Uncertain significance. Last evaluated: 2023-02-15. Review status: criteria provided, single submitter. Criteria: Ambry Variant Classification Scheme 2023. Collection method: clinical testing. Allele origin: germline.
Comment: The p.S702C variant (also known as c.2105C>G), located in coding exon 19 of the PRKDC gene, results from a C to G substitution at nucleotide position 2105. The serine at codon 702 is replaced by cysteine, an amino acid with dissimilar properties. This amino acid position is conserved. In addition, the in silico prediction for this alteration is inconclusive. Since supporting evidence is limited at this time, the clinical significance of this alteration remains unclear.

NM_006904.7(PRKDC):c.2105C>G (p.Ser702Cys)

Gene: PRKDC (protein kinase, DNA-activated, catalytic subunit; minus strand). Cytogenetic location: 8q11.21.
Variant type: single nucleotide variant.
Coding change: c.2105C>G on transcript NM_006904.7 (MANE Select); coding-DNA position 2105, C replaced by G.
Protein change: p.Ser702Cys; replaces serine 702 with cysteine.
Molecular consequence: missense variant.
Genome position (GRCh38, 1-based): chr8:47,929,126, G>C on the plus strand (C>G on the coding strand, the complement: PRKDC is on the minus strand). VCF-style: chr8-47929126-G-C. GRCh37 (hg19) VCF-style: chr8-48841686-G-C.
Other names: c.2105C>G, p.Ser702Cys (NM_001081640.2); short protein forms S702C.
Identifiers: ClinVar variation 2449884 (VCV002449884.2), dbSNP rs2551878473, ClinGen allele CA371163819.